The following is an entry in ClinVar:

NM_001999.4(FBN2):c.3394G>A (p.Val1132Ile)

Gene: FBN2 (fibrillin 2; minus strand). Cytogenetic location: 5q23.3.
Variant type: single nucleotide variant.
Coding change: c.3394G>A on transcript NM_001999.4 (MANE Select); coding-DNA position 3394, G replaced by A.
Protein change: p.Val1132Ile; replaces valine 1132 with isoleucine.
Molecular consequence: missense variant.
Genome position (GRCh38, 1-based): chr5:128,339,011, C>T on the plus strand (G>A on the coding strand, the complement: FBN2 is on the minus strand). VCF-style: chr5-128339011-C-T. GRCh37 (hg19) VCF-style: chr5-127674703-C-T.
Other names: short protein forms V1132I.
Identifiers: ClinVar variation 213228 (VCV000213228.78), dbSNP rs138834515, ClinGen allele CA320787.
Genomic context (GRCh38, chr5:128,339,011, plus strand): 5'-TCATGAAGCCACTTTCATAGCCTTCGAAGCACTCGCACTCAAAGCTGCCCGGTGTATTGA[C>T]GCAGATTCCACTGCCACAGAGGTCAGGAGAAATCCTGCACTCGTCGATGTCTAATTCACA-3'
Protein context (NP_001990.2, residues 1122-1142): SPDLCGSGIC[Val1132Ile]NTPGSFECEC

ClinVar aggregate classification (germline): Conflicting classifications of pathogenicity. Review status: criteria provided, conflicting classifications (1 of 4 stars). 10 submissions from 10 submitters: Uncertain significance (4); Benign (1); Likely benign (5). Last evaluated 2025-12-26.

Conditions:
Connective tissue disorder. Also called: Connective tissue disease. Identifiers: MedGen C0009782, MONDO:0003900.
Congenital contractural arachnodactyly (CCA). Also called: BEALS SYNDROME; Beals-Hecht syndrome; Arthrogryposis, distal, type 9. Identifiers: Orphanet 115, MedGen C0220668, MONDO:0007363, OMIM 121050.
Macular degeneration, early-onset (EOMD). Identifiers: MedGen C4015286, MONDO:0014501, OMIM 616118.
Familial thoracic aortic aneurysm and aortic dissection (TAAD). Also called: Thoracic aortic aneurysms and dissections. Identifiers: Orphanet 91387, MedGen C4707243, MONDO:0019625.

Allele frequency attached by ClinVar (database versions not stated): gnomAD exomes 0.00016; ExAC 0.00017; gnomAD 0.00020 and 0.00021; ESP Exome Variant Server 0.00023; TOPMed 0.00026.
gnomAD v4.1: 465 of 1,613,794 alleles (0.029%); highest among the groups gnomAD compares: East Asian, 0.12%; no homozygotes.

Submissions (10):

Labcorp Genetics (formerly Invitae), Labcorp
Classification: Likely benign for Congenital contractural arachnodactyly. Last evaluated: 2025-12-26. Review status: criteria provided, single submitter. Criteria: Invitae Variant Classification Sherloc (09022015). Collection method: clinical testing. Allele origin: germline.

Ambry Genetics
Classification: Benign for Familial thoracic aortic aneurysm and aortic dissection. Last evaluated: 2025-07-11. Review status: criteria provided, single submitter. Criteria: Ambry Variant Classification Scheme 2023. Collection method: clinical testing. Allele origin: germline.

Blueprint Genetics
Classification: Likely benign. Last evaluated: 2024-10-15. Review status: criteria provided, single submitter. Criteria: ACMG Guidelines, 2015. Collection method: clinical testing. Allele origin: germline.

Women's Health and Genetics/Laboratory Corporation of America, LabCorp
Classification: Likely benign. Last evaluated: 2024-08-28. Review status: criteria provided, single submitter. Criteria: LabCorp Variant Classification Summary - May 2015. Collection method: clinical testing. Allele origin: germline.
Comment: Variant summary: FBN2 c.3394G>A (p.Val1132Ile) results in a conservative amino acid change located in the EGF-like domain (IPR000742) of the encoded protein sequence. Three of five in-silico tools predict a benign effect of the variant on protein function. The variant allele was found at a frequency of 0.00016 in 251394 control chromosomes. The observed variant frequency is approximately 3-fold of the estimated maximal expected allele frequency for a pathogenic variant in FBN2 causing Congenital Contractural Arachnodactyly phenotype (4.7e-05). c.3394G>A has been reported in the literature in a family with at least one individual affected with adolescent idiopathic scoliosis, without strong evidence for causality (Jiang_2020). This report does not provide unequivocal conclusions about association of the variant with Congenital Contractural Arachnodactyly. To our knowledge, no experimental evidence demonstrating an impact on protein function has been reported. The following publication has been ascertained in the context of this evaluation (PMID: 32381728). ClinVar contains an entry for this variant (Variation ID: 213228). Based on the evidence outlined above, the variant was classified as likely benign.

CeGaT Center for Human Genetics Tuebingen
Classification: Uncertain significance. Last evaluated: 2024-07-01. Review status: criteria provided, single submitter. Criteria: CeGaT Center For Human Genetics Tuebingen Variant Classification Criteria Version 2. Collection method: clinical testing. Allele origin: germline. Affected: yes. Observed: 3 variant alleles.

ARUP Laboratories, Molecular Genetics and Genomics, ARUP Laboratories
Classification: Uncertain significance. Last evaluated: 2023-10-09. Review status: criteria provided, single submitter. Criteria: ARUP Molecular Germline Variant Investigation Process 2024. Collection method: clinical testing. Allele origin: germline.
Comment: The FBN2 c.3394G>A; p.Val1132Ile variant (rs138834515) is reported in the literature in a family affected with adolescent idiopathic scoliosis, although it was not demonstrated to be causative (Jiang 2020). This variant is found in the general population with an overall allele frequency of 0.02% (48/282800 alleles) in the Genome Aggregation Database. The valine at codon 1132 is highly conserved, and computational analyses are uncertain whether this variant is neutral or deleterious (REVEL: 0.431). However, due to limited information, the clinical significance of the p.Val1132Ile variant is uncertain at this time. References: Jiang et al. Exome sequencing analysis identifies frequent oligogenic involvement and FLNB variants in adolescent idiopathic scoliosis. J Med Genet. 2020 Jun;57(6):405-413. PMID: 32381728.

GeneDx
Classification: Likely benign. Last evaluated: 2021-04-14. Review status: criteria provided, single submitter. Criteria: GeneDx Variant Classification Process June 2021. Collection method: clinical testing. Allele origin: germline. Affected: yes.
Comment: In silico analysis supports that this missense variant does not alter protein structure/function; This variant is associated with the following publications: (PMID: 24205039, 32381728)

Illumina Laboratory Services, Illumina
Classification: Uncertain significance for Congenital contractural arachnodactyly. Last evaluated: 2018-01-12. Review status: criteria provided, single submitter. Criteria: ICSL Variant Classification Criteria 13 December 2019. Collection method: clinical testing. Allele origin: germline.

Center for Human Genetics, Inc
Classification: Likely benign for Connective tissue disorder. Last evaluated: 2016-11-01. Review status: criteria provided, single submitter. Criteria: ACMG Guidelines, 2015. Collection method: clinical testing. Allele origin: germline. Affected: yes.

Center for Genomics, Ann and Robert H. Lurie Children's Hospital of Chicago
Classification: Uncertain significance for Macular degeneration, early-onset; Congenital contractural arachnodactyly. Review status: criteria provided, single submitter. Criteria: ACMG Guidelines, 2015. Collection method: clinical testing. Allele origin: germline.
Comment: FBN2 NM_001999.3 exon 26 p.Val1132Ile (c.3394G>A): This variant has not been reported in the literature and is present in 0.03% (7/19946) of East Asian alleles in the Genome Aggregation Database. This variant is present in ClinVar (Variation ID:213228). Evolutionary conservation and computational predictive tools suggest that this variant may impact the protein. In summary, data on this variant is insufficient for disease classification. Therefore, the clinical significance of this variant is uncertain.

Literature cited by the submitters: PubMed 32381728 (cited by Women's Health and Genetics/Laboratory Corporation of America, LabCorp).